The following is an entry in ClinVar:

ClinVar aggregate classification (germline): Uncertain significance. Review status: criteria provided, multiple submitters, no conflicts (2 of 4 stars). 4 submissions from 4 submitters: Uncertain significance (3). 1 of the submissions does not count toward it. Last evaluated 2024-01-17.

Conditions:
Bardet-Biedl syndrome 11 (BBS11). Identifiers: Orphanet 110, MedGen C1859569, MONDO:0014439, OMIM 615988.
Sarcotubular myopathy (LGMDR8). Also called: Hutterite type of muscular dystrophy; Autosomal recessive limb-girdle muscular dystrophy type 2H; MUSCULAR DYSTROPHY, LIMB-GIRDLE, AUTOSOMAL RECESSIVE 8; Limb-girdle muscular dystrophy, type 2H. Identifiers: Orphanet 1878, MedGen C0270968, MONDO:0009683, OMIM 254110.
TRIM32-related disorder. Also called: TRIM32-related condition.
Bardet-Biedl syndrome (BBS). Identifiers: Orphanet 110, MedGen C0752166, MONDO:0015229.

Allele frequency attached by ClinVar (database versions not stated): gnomAD exomes 0.00004 and 0.00002; TOPMed 0.00005; gnomAD 0.00006; ExAC 0.00005; ESP Exome Variant Server 0.00008.
gnomAD v4.1: 33 of 1,614,072 alleles (0.002%); highest among the groups gnomAD compares: African/African-American, 0.016%; no homozygotes.

Submissions (4):

Labcorp Genetics (formerly Invitae), Labcorp
Classification: Uncertain significance for Bardet-Biedl syndrome. Last evaluated: 2024-01-17. Review status: criteria provided, single submitter. Criteria: Invitae Variant Classification Sherloc (09022015). Collection method: clinical testing. Allele origin: germline.
Comment: This sequence change replaces methionine, which is neutral and non-polar, with valine, which is neutral and non-polar, at codon 325 of the TRIM32 protein (p.Met325Val). This variant is present in population databases (rs148027625, gnomAD 0.03%). This variant has not been reported in the literature in individuals affected with TRIM32-related conditions. ClinVar contains an entry for this variant (Variation ID: 999138). An algorithm developed to predict the effect of missense changes on protein structure and function (PolyPhen-2) suggests that this variant¬†is likely to be tolerated. In summary, the available evidence is currently insufficient to determine the role of this variant in disease. Therefore, it has been classified as a Variant of Uncertain Significance.

Fulgent Genetics
Classification: Uncertain significance for Sarcotubular myopathy; Bardet-Biedl syndrome 11. Last evaluated: 2021-09-06. Review status: criteria provided, single submitter. Criteria: ACMG Guidelines, 2015. Collection method: clinical testing. Allele origin: unknown.

Revvity Omics, Revvity
Classification: Uncertain significance. Last evaluated: 2019-03-17. Review status: criteria provided, single submitter. Criteria: ACMG Guidelines, 2015. Collection method: clinical testing. Allele origin: germline.

PreventionGenetics, part of Exact Sciences
Classification: Uncertain significance for TRIM32-related condition. Last evaluated: 2023-12-27. Review status: no assertion criteria provided. Collection method: clinical testing. Allele origin: germline. Not counted in ClinVar's aggregate classification.
Comment: The TRIM32 c.973A>G variant is predicted to result in the amino acid substitution p.Met325Val. To our knowledge, this variant has not been reported in the literature. This variant is reported in 0.028% of alleles in individuals of European (Finnish) descent in gnomAD. At this time, the clinical significance of this variant is uncertain due to the absence of conclusive functional and genetic evidence.

NM_012210.4(TRIM32):c.973A>G (p.Met325Val)

Genes: ASTN2 (astrotactin 2; minus strand), TRIM32 (tripartite motif containing 32; plus strand). Cytogenetic location: 9q33.1.
Variant type: single nucleotide variant.
Coding change: c.973A>G on transcript NM_012210.4 (MANE Select); coding-DNA position 973, A replaced by G.
Protein change: p.Met325Val; replaces methionine 325 with valine.
Molecular consequence: missense variant. On other transcripts: intron variant (3).
Genome position (GRCh38, 1-based): chr9:116,698,715, A>G. VCF-style: chr9-116698715-A-G. GRCh37 (hg19) VCF-style: chr9-119460994-A-G.
Other names: c.973A>G, p.Met325Val (NM_001099679.2, NM_001379048.1, NM_001379049.1 and 1 more transcripts); c.2653+27056T>C (NM_014010.5); c.2794+27056T>C (NM_001365069.1); c.2806+27056T>C (NM_001365068.1); short protein forms M325V.
Identifiers: ClinVar variation 999138 (VCV000999138.14), dbSNP rs148027625, ClinGen allele CA5211079.
Genomic context (GRCh38, chr9:116,698,715, plus strand): 5'-GATTCCTGGGCCATGGAGGCCACAGCGTCTGCTGCCTCTACCTCTGTTACTTTTAGAGAG[A>G]TGGACATGAGCCCGGAGGAAGTGGTTGCCAGCCCTAGGGCCTCACCTGCTAAACAGCGGG-3'
Protein context (NP_036342.2, residues 315-335): AASTSVTFRE[Met325Val]DMSPEEVVAS